The following is an entry in ClinVar:

ClinVar aggregate classification (germline): Uncertain significance. Review status: criteria provided, multiple submitters, no conflicts (2 of 4 stars). 2 submissions from 2 submitters: Uncertain significance (2). Last evaluated 2022-10-03.

Conditions:
Familial cancer of breast. Also called: Hereditary breast cancer; hereditary breast carcinoma; BREAST CANCER, FAMILIAL. Identifiers: Orphanet 227535, MedGen C0346153, MONDO:0016419, OMIM 114480. Disease mechanism: loss of function.

Allele frequency attached by ClinVar (database versions not stated): gnomAD exomes below 0.00001.
gnomAD v4.1: 1 of 1,614,014 alleles (0.000062%); highest among the groups gnomAD compares: Non-Finnish European, 0.000085%; no homozygotes.

Submissions (2):

Labcorp Genetics (formerly Invitae), Labcorp
Classification: Uncertain significance for Familial cancer of breast. Last evaluated: 2022-10-03. Review status: criteria provided, single submitter. Criteria: Invitae Variant Classification Sherloc (09022015). Collection method: clinical testing. Allele origin: germline.
Comment: This variant has not been reported in the literature in individuals affected with PALB2-related conditions. In summary, the available evidence is currently insufficient to determine the role of this variant in disease. Therefore, it has been classified as a Variant of Uncertain Significance. Algorithms developed to predict the effect of missense changes on protein structure and function output the following: SIFT: "Tolerated"; PolyPhen-2: "Benign"; Align-GVGD: "Class C0". The lysine amino acid residue is found in multiple mammalian species, which suggests that this missense change does not adversely affect protein function. ClinVar contains an entry for this variant (Variation ID: 1320923). This variant is not present in population databases (gnomAD no frequency). This sequence change replaces arginine, which is basic and polar, with lysine, which is basic and polar, at codon 160 of the PALB2 protein (p.Arg160Lys).

GeneDx
Classification: Uncertain significance. Last evaluated: 2019-09-16. Review status: criteria provided, single submitter. Criteria: GeneDx Variant Classification Process June 2021. Collection method: clinical testing. Allele origin: germline. Affected: yes.
Comment: Not observed in large population cohorts (Lek 2016); In silico analysis, which includes protein predictors and evolutionary conservation, supports that this variant does not alter protein structure/function; Has not been previously published as pathogenic or benign to our knowledge

NM_024675.4(PALB2):c.479G>A (p.Arg160Lys)

Gene: PALB2 (partner and localizer of BRCA2; minus strand). Cytogenetic location: 16p12.2.
Variant type: single nucleotide variant.
Coding change: c.479G>A on transcript NM_024675.4 (MANE Select); coding-DNA position 479, G replaced by A.
Protein change: p.Arg160Lys; replaces arginine 160 with lysine.
Molecular consequence: missense variant.
Genome position (GRCh38, 1-based): chr16:23,636,067, C>T on the plus strand (G>A on the coding strand, the complement: PALB2 is on the minus strand). VCF-style: chr16-23636067-C-T. GRCh37 (hg19) VCF-style: chr16-23647388-C-T.
Other names: short protein forms R160K.
Identifiers: ClinVar variation 1320923 (VCV001320923.7), dbSNP rs2142442427, ClinGen allele CA395137113.
Genomic context (GRCh38, chr16:23,636,067, plus strand): 5'-TCCTGTTCCTTTAGTCTTTTCCCAGACAATCTGAGTGAATCAGTGCCAAAGACACAGTCT[C>T]TCTCCTGTGAAATAAATGTCCTCTTCTGCTGCTTCTTTCTTCTGCTTGGCAGCTTCTGCT-3'
Protein context (NP_078951.2, residues 150-170): QQKRTFISQE[Arg160Lys]DCVFGTDSLR